The following is an entry in ClinVar:

ClinVar aggregate classification (germline): Uncertain significance (1 of 4 stars; one submission).

Conditions:
Hereditary breast ovarian cancer syndrome. Also called: Hereditary breast and ovarian cancer syndrome (HBOC); Hereditary breast and ovarian cancer; Breast and ovarian cancer; Hereditary breast and/or ovarian cancer syndrome; BRCA1- and BRCA2-Associated Hereditary Breast and Ovarian Cancer; Hereditary breast and ovarian cancer syndrome. Identifiers: Orphanet 145, MedGen C0677776, MeSH D061325, MONDO:0003582. Disease mechanism: loss of function.

Submission:

Labcorp Genetics (formerly Invitae), Labcorp
Classification: Uncertain significance for Hereditary breast ovarian cancer syndrome. Last evaluated: 2025-09-07. Review status: criteria provided, single submitter. Criteria: Invitae Variant Classification Sherloc (09022015). Collection method: clinical testing. Allele origin: germline.
Comment: This sequence change replaces arginine, which is basic and polar, with leucine, which is neutral and non-polar, at codon 2973 of the BRCA2 protein (p.Arg2973Leu). This variant is not present in population databases (gnomAD no frequency). This variant has not been reported in the literature in individuals affected with BRCA2-related conditions. Invitae Evidence Modeling of protein sequence and biophysical properties (such as structural, functional, and spatial information, amino acid conservation, physicochemical variation, residue mobility, and thermodynamic stability) indicates that this missense variant is not expected to disrupt BRCA2 protein function with a negative predictive value of 95%. In summary, the available evidence is currently insufficient to determine the role of this variant in disease. Therefore, it has been classified as a Variant of Uncertain Significance.

NM_000059.4(BRCA2):c.8918G>T (p.Arg2973Leu)

Gene: BRCA2 (BRCA2 DNA repair associated; plus strand). Cytogenetic location: 13q13.1.
Variant type: single nucleotide variant.
Coding change: c.8918G>T on transcript NM_000059.4 (MANE Select); coding-DNA position 8918, G replaced by T.
Protein change: p.Arg2973Leu; replaces arginine 2973 with leucine.
Molecular consequence: missense variant. On other transcripts: non-coding transcript variant (1).
Genome position (GRCh38, 1-based): chr13:32,379,480, G>T. VCF-style: chr13-32379480-G-T. GRCh37 (hg19) VCF-style: chr13-32953617-G-T.
Other names: c.8822G>T, p.Arg2941Leu (NM_001406719.1); c.8918G>T, p.Arg2973Leu (NM_001406720.1, NM_001432077.1); c.3986G>T, p.Arg1329Leu (NM_001406721.1); c.2501G>T, p.Arg834Leu (NM_001406722.1); short protein forms R1329L, R2941L, R2973L, R834L.
Identifiers: ClinVar variation 4802359 (VCV004802359.1).